The following is an entry in ClinVar:

NM_198576.4(AGRN):c.2028T>A (p.Ser676=)

Gene: AGRN (agrin; plus strand). Cytogenetic location: 1p36.33.
Variant type: single nucleotide variant.
Coding change: c.2028T>A on transcript NM_198576.4 (MANE Select); coding-DNA position 2028, T replaced by A.
Protein change: p.Ser676=; no amino-acid change (serine 676 retained).
Molecular consequence: synonymous variant.
Genome position (GRCh38, 1-based): chr1:1,044,137, T>A. VCF-style: chr1-1044137-T-A. GRCh37 (hg19) VCF-style: chr1-979517-T-A.
Other names: c.2028T>A, p.Ser676= (NM_001305275.2); c.1713T>A, p.Ser571= (NM_001364727.2).
Identifiers: ClinVar variation 541180 (VCV000541180.14), dbSNP rs144713799, ClinGen allele CA508445.

ClinVar aggregate classification (germline): Likely benign. Review status: criteria provided, multiple submitters, no conflicts (2 of 4 stars). 3 submissions from 3 submitters: Likely benign (2). 1 of the submissions does not count toward it. Last evaluated 2026-01-17.

Conditions:
AGRN-related disorder. Also called: AGRN-related condition.
Congenital myasthenic syndrome 8. Also called: MYASTHENIC SYNDROME, CONGENITAL, DUE TO AGRIN DEFICIENCY; Myasthenic syndrome, congenital, 8, with pre- and postsynaptic defects. Identifiers: Orphanet 590, MedGen C3808739, MONDO:0014052, OMIM 615120.

Allele frequency attached by ClinVar (database versions not stated): TOPMed 0.00017; ExAC 0.00031; gnomAD 0.00033 and 0.00035; gnomAD exomes 0.00033 and 0.00034; ESP Exome Variant Server 0.00038.
gnomAD v4.1: 529 of 1,613,064 alleles (0.033%); highest among the groups gnomAD compares: Non-Finnish European, 0.038%; no homozygotes.

Submissions (3):

Labcorp Genetics (formerly Invitae), Labcorp
Classification: Likely benign for Congenital myasthenic syndrome 8. Last evaluated: 2026-01-17. Review status: criteria provided, single submitter. Criteria: Invitae Variant Classification Sherloc (09022015). Collection method: clinical testing. Allele origin: germline.

Blueprint Genetics
Classification: Likely benign. Last evaluated: 2024-05-31. Review status: criteria provided, single submitter. Criteria: ACMG Guidelines, 2015. Collection method: clinical testing. Allele origin: germline.

PreventionGenetics, part of Exact Sciences
Classification: Likely benign for AGRN-related condition. Last evaluated: 2021-02-03. Review status: no assertion criteria provided. Collection method: clinical testing. Allele origin: germline. Not counted in ClinVar's aggregate classification.
Comment: This variant is classified as likely benign based on ACMG/AMP sequence variant interpretation guidelines (Richards et al. 2015 PMID: 25741868, with internal and published modifications).